The following is an entry in ClinVar:

ClinVar aggregate classification (germline): Uncertain significance. Review status: criteria provided, multiple submitters, no conflicts (2 of 4 stars). 2 submissions from 2 submitters: Uncertain significance (2). Last evaluated 2022-12-09.

Conditions:
Hereditary cancer-predisposing syndrome. Also called: Neoplastic Syndromes, Hereditary; Tumor predisposition; Hereditary Cancer Syndrome; Hereditary neoplastic syndrome. Identifiers: Orphanet 140162, MedGen C0027672, MeSH D009386, MONDO:0015356.
Neuroblastoma, susceptibility to, 3. Also called: ALK-Related Neuroblastic Tumor Susceptibility. Identifiers: Orphanet 635, MedGen C2751681, MONDO:0013083, OMIM 613014.

Allele frequency attached by ClinVar (database versions not stated): TOPMed below 0.00001.

Submissions (2):

Labcorp Genetics (formerly Invitae), Labcorp
Classification: Uncertain significance for Neuroblastoma, susceptibility to, 3. Last evaluated: 2022-12-09. Review status: criteria provided, single submitter. Criteria: Invitae Variant Classification Sherloc (09022015). Collection method: clinical testing. Allele origin: germline.
Comment: This sequence change replaces alanine, which is neutral and non-polar, with threonine, which is neutral and polar, at codon 149 of the ALK protein (p.Ala149Thr). This variant is not present in population databases (gnomAD no frequency). In summary, the available evidence is currently insufficient to determine the role of this variant in disease. Therefore, it has been classified as a Variant of Uncertain Significance. Algorithms developed to predict the effect of missense changes on protein structure and function output the following: SIFT: "Tolerated"; PolyPhen-2: "Benign"; Align-GVGD: "Class C0". The threonine amino acid residue is found in multiple mammalian species, which suggests that this missense change does not adversely affect protein function. ClinVar contains an entry for this variant (Variation ID: 1740765). This variant has not been reported in the literature in individuals affected with ALK-related conditions.

Ambry Genetics
Classification: Uncertain significance for Hereditary cancer-predisposing syndrome. Last evaluated: 2022-05-11. Review status: criteria provided, single submitter. Criteria: Ambry Variant Classification Scheme 2023. Collection method: clinical testing. Allele origin: germline.
Comment: The p.A149T variant (also known as c.445G>A), located in coding exon 1 of the ALK gene, results from a G to A substitution at nucleotide position 445. The alanine at codon 149 is replaced by threonine, an amino acid with similar properties. This amino acid position is conserved. In addition, this alteration is predicted to be tolerated by in silico analysis. Since supporting evidence is limited at this time, the clinical significance of this alteration remains unclear.

NM_004304.5(ALK):c.445G>A (p.Ala149Thr)

Gene: ALK (ALK receptor tyrosine kinase; minus strand). Cytogenetic location: 2p23.1.
Variant type: single nucleotide variant.
Coding change: c.445G>A on transcript NM_004304.5 (MANE Select); coding-DNA position 445, G replaced by A.
Protein change: p.Ala149Thr; replaces alanine 149 with threonine.
Molecular consequence: missense variant.
Genome position (GRCh38, 1-based): chr2:29,920,215, C>T on the plus strand (G>A on the coding strand, the complement: ALK is on the minus strand). VCF-style: chr2-29920215-C-T. GRCh37 (hg19) VCF-style: chr2-30143081-C-T.
Other names: short protein forms A149T.
Identifiers: ClinVar variation 1740765 (VCV001740765.5), dbSNP rs991128318, ClinGen allele CA45004758.